The following is an entry in ClinVar:

ClinVar aggregate classification (germline): Likely benign (0 of 4 stars; one submission).

Conditions:
STARD9-related disorder. Also called: STARD9-related condition.

Allele frequency attached by ClinVar (database versions not stated): TOPMed 0.00007; gnomAD 0.00009; 1000 Genomes Project 30x 0.00031; 1000 Genomes Project 0.00040; ExAC 0.00089.
gnomAD v4.1: 219 of 1,530,072 alleles (0.014%); highest among the groups gnomAD compares: South Asian, 0.14%; 1 homozygote.

Submission:

PreventionGenetics, part of Exact Sciences
Classification: Likely benign for STARD9-related condition. Last evaluated: 2020-02-26. Review status: no assertion criteria provided. Collection method: clinical testing. Allele origin: germline.
Comment: This variant is classified as likely benign based on ACMG/AMP sequence variant interpretation guidelines (Richards et al. 2015 PMID: 25741868, with internal and published modifications).

NM_020759.3(STARD9):c.12672C>T (p.Ala4224=)

Gene: STARD9 (StAR related lipid transfer domain containing 9; plus strand). Cytogenetic location: 15q15.2.
Variant type: single nucleotide variant.
Coding change: c.12672C>T on transcript NM_020759.3 (MANE Select); coding-DNA position 12672, C replaced by T.
Protein change: p.Ala4224=; no amino-acid change (alanine 4224 retained).
Molecular consequence: synonymous variant.
Genome position (GRCh38, 1-based): chr15:42,694,250, C>T. VCF-style: chr15-42694250-C-T. GRCh37 (hg19) VCF-style: chr15-42986448-C-T.
Identifiers: ClinVar variation 3051871 (VCV003051871.2), dbSNP rs566736879, ClinGen allele CA7514906.